The following is an entry in ClinVar:

NM_000051.4(ATM):c.6572+3A>T

Genes: ATM (ATM serine/threonine kinase; plus strand), C11orf65 (chromosome 11 open reading frame 65; minus strand). Cytogenetic location: 11q22.3.
Variant type: single nucleotide variant.
Coding change: c.6572+3A>T on transcript NM_000051.4 (MANE Select); 3 bases into the intron after coding-DNA position 6572, A replaced by T.
Molecular consequence: intron variant.
Genome position (GRCh38, 1-based): chr11:108,321,423, A>T. VCF-style: chr11-108321423-A-T. GRCh37 (hg19) VCF-style: chr11-108192150-A-T.
Other names: c.6572+3A>T (NM_001351834.2); c.641-12352T>A (NM_001330368.2); c.*39-12352T>A (NM_001351110.2).
Identifiers: ClinVar variation 3326600 (VCV003326600.1).
Genomic context (GRCh38, chr11:108,321,423, plus strand): 5'-CACTTAGCAGGTTGCAGGCCATTGGAGAGCTGGAAAGCATTGGGGAGCTTTTCTCAAGGT[A>T]TGTAATTCGTATGACTTTGTTATCCTAAAGTGCAGCTTTTCTGTTACCAATAGTGACTTT-3'

ClinVar aggregate classification (germline): Uncertain significance (1 of 4 stars; one submission).

Conditions:
Hereditary cancer-predisposing syndrome. Also called: Neoplastic Syndromes, Hereditary; Tumor predisposition; Hereditary Cancer Syndrome; Hereditary neoplastic syndrome. Identifiers: Orphanet 140162, MedGen C0027672, MeSH D009386, MONDO:0015356.

Submission:

Ambry Genetics
Classification: Uncertain significance for Hereditary cancer-predisposing syndrome. Last evaluated: 2024-06-10. Review status: criteria provided, single submitter. Criteria: Ambry Variant Classification Scheme 2023. Collection method: clinical testing. Allele origin: germline.
Comment: The c.6572+3A>T intronic variant results from an A to T substitution 3 nucleotides after coding exon 44 in the ATM gene. This nucleotide position is well conserved in available vertebrate species. In silico splice site analysis predicts that this alteration will not have any significant effect on splicing. Based on the available evidence, the clinical significance of this variant remains unclear.